The following is an entry in ClinVar:

NM_000245.4(MET):c.3798+10T>G

Gene: MET (MET proto-oncogene, receptor tyrosine kinase; plus strand). Cytogenetic location: 7q31.2.
Variant type: single nucleotide variant.
Coding change: c.3798+10T>G on transcript NM_000245.4 (MANE Select); 10 bases into the intron after coding-DNA position 3798, T replaced by G.
Molecular consequence: intron variant.
Genome position (GRCh38, 1-based): chr7:116,783,479, T>G. VCF-style: chr7-116783479-T-G. GRCh37 (hg19) VCF-style: chr7-116423533-T-G.
Other names: c.3852+10T>G (NM_001127500.3); c.2508+10T>G (NM_001324402.2).
Identifiers: ClinVar variation 3773388 (VCV003773388.1).

ClinVar aggregate classification (germline): Likely benign (1 of 4 stars; one submission).

Conditions:
Papillary renal cell carcinoma type 1 (RCCP1). Also called: Renal adenocarcinoma; Renal cell carcinoma 1; Renal cell carcinoma, somatic; RENAL CELL CARCINOMA, PAPILLARY, 1, SOMATIC. Identifiers: Orphanet 47044, MedGen C1336839, OMIM 605074, HP:0011797.

Submission:

Myriad Genetics, Inc.
Classification: Likely benign for Papillary renal cell carcinoma type 1. Last evaluated: 2024-11-14. Review status: criteria provided, single submitter. Criteria: Myriad Autosomal Dominant, Autosomal Recessive and X-Linked Classification Criteria (2023). Collection method: clinical testing. Allele origin: unknown.
Comment: This variant is considered likely benign. This variant is intronic and is not expected to impact mRNA splicing.